The following is an entry in ClinVar:

NM_001035.3(RYR2):c.1837G>A (p.Val613Ile)

Gene: RYR2 (ryanodine receptor 2; plus strand). Cytogenetic location: 1q43.
Variant type: single nucleotide variant.
Coding change: c.1837G>A on transcript NM_001035.3 (MANE Select); coding-DNA position 1837, G replaced by A.
Protein change: p.Val613Ile; replaces valine 613 with isoleucine.
Molecular consequence: missense variant.
Genome position (GRCh38, 1-based): chr1:237,492,963, G>A. VCF-style: chr1-237492963-G-A. GRCh37 (hg19) VCF-style: chr1-237656263-G-A.
Other names: short protein forms V613I.
Identifiers: ClinVar variation 43754 (VCV000043754.13), dbSNP rs397516520, ClinGen allele CA008610.
Genomic context (GRCh38, chr1:237,492,963, plus strand): 5'-GGGAAAGCAGGGAGGGAGGGAGGATCAGCTGAAAGTAATTTCTCTTTTCAGGTTCTGGAT[G>A]TCTTGTGCTCACTCTGTGTTTGCCACGGGGTTGCAGTCCGTTCTAACCAGCATCTCATCT-3'
Protein context (NP_001026.2, residues 603-623): KHGRNHKVLD[Val613Ile]LCSLCVCHGV

ClinVar aggregate classification (germline): Uncertain significance. Review status: criteria provided, multiple submitters, no conflicts (2 of 4 stars). 4 submissions from 4 submitters: Uncertain significance (4). Last evaluated 2025-08-18.

Conditions:
Cardiomyopathy (CMYO). Also called: Cardiomyopathies. Identifiers: Orphanet 167848, MedGen C0878544, MONDO:0004994, HP:0001638. Inheritance: Various modes of inheritance.
Catecholaminergic polymorphic ventricular tachycardia 1. Also called: VENTRICULAR TACHYCARDIA, STRESS-INDUCED POLYMORPHIC 1; VENTRICULAR TACHYCARDIA, CATECHOLAMINERGIC POLYMORPHIC, 1, WITH OR WITHOUT ATRIAL DYSFUNCTION AND/OR DILATED CARDIOMYOPATHY; RYR2-Related Catecholaminergic Polymorphic Ventricular Tachycardia. Identifiers: Orphanet 3286, MedGen C1631597, MONDO:0011484, OMIM 604772.
Catecholaminergic polymorphic ventricular tachycardia (CVPT). Also called: Catecholamine-induced polymorphic ventricular tachycardia. Identifiers: Orphanet 3286, MedGen C5574922, MONDO:0017990.

Allele frequency attached by ClinVar (database versions not stated): gnomAD exomes below 0.00001; ExAC 0.00003.

Submissions (4):

Labcorp Genetics (formerly Invitae), Labcorp
Classification: Uncertain significance for Catecholaminergic polymorphic ventricular tachycardia 1. Last evaluated: 2025-08-18. Review status: criteria provided, single submitter. Criteria: Invitae Variant Classification Sherloc (09022015). Collection method: clinical testing. Allele origin: germline.
Comment: This sequence change replaces valine, which is neutral and non-polar, with isoleucine, which is neutral and non-polar, at codon 613 of the RYR2 protein (p.Val613Ile). This variant is present in population databases (rs397516520, gnomAD 0.008%). This variant has not been reported in the literature in individuals affected with RYR2-related conditions. ClinVar contains an entry for this variant (Variation ID: 43754). Invitae Evidence Modeling of protein sequence and biophysical properties (such as structural, functional, and spatial information, amino acid conservation, physicochemical variation, residue mobility, and thermodynamic stability) has been performed for this missense variant. However, the output from this modeling did not meet the statistical confidence thresholds required to predict the impact of this variant on RYR2 protein function. In summary, the available evidence is currently insufficient to determine the role of this variant in disease. Therefore, it has been classified as a Variant of Uncertain Significance.

All of Us Research Program, National Institutes of Health
Classification: Uncertain significance for Catecholaminergic polymorphic ventricular tachycardia. Last evaluated: 2024-05-14. Review status: criteria provided, single submitter. Criteria: ACMG Guidelines, 2015. Collection method: clinical testing. Allele origin: germline. Inheritance: Autosomal dominant inheritance. Observed: 1 variant allele, 1 heterozygote.
Comment: This missense variant replaces valine with isoleucine at codon 613 of the RYR2 protein. Computational prediction suggests that this variant may not impact protein structure and function (internally defined REVEL score threshold <= 0.5, PMID: 27666373). To our knowledge, functional studies have not been reported for this variant. This variant has not been reported in individuals affected with RYR2-related disorders in the literature. This variant has been identified in 1/215484 chromosomes in the general population by the Genome Aggregation Database (gnomAD). The available evidence is insufficient to determine the role of this variant in disease conclusively. Therefore, this variant is classified as a Variant of Uncertain Significance.

This study involves interpretation of variants in research participants for the purpose of population health screening. Participant phenotype was not available at the time of variant classification. Additional details can be found in publication PMID: 35346344, PMCID: PMC8962531

Color Diagnostics, LLC DBA Color Health
Classification: Uncertain significance for Cardiomyopathy. Last evaluated: 2024-04-18. Review status: criteria provided, single submitter. Criteria: ACMG Guidelines, 2015. Collection method: clinical testing. Allele origin: germline.
Comment: This missense variant replaces valine with isoleucine at codon 613 of the RYR2 protein. Computational prediction suggests that this variant may not impact protein structure and function. To our knowledge, functional studies have not been reported for this variant. This variant has not been reported in individuals affected with RYR2-related disorders in the literature. This variant has been identified in 1/215484 chromosomes in the general population by the Genome Aggregation Database (gnomAD). The available evidence is insufficient to determine the role of this variant in disease conclusively. Therefore, this variant is classified as a Variant of Uncertain Significance.

Laboratory for Molecular Medicine, Mass General Brigham Personalized Medicine
Classification: Uncertain significance. Last evaluated: 2012-08-16. Review status: criteria provided, single submitter. Criteria: LMM Criteria. Collection method: clinical testing. Allele origin: germline. Observed: 1 variant allele.
Comment: The Val613Ile variant in RYR2 has not been reported in the literature nor previo usly identified by our laboratory. Computational analyses (biochemical amino aci d properties, conservation, AlignGVGD, PolyPhen2, and SIFT) do not provide stron g support for or against an impact to the protein. Additional information is nee ded to fully assess the clinical significance of this variant.